The following is an entry in ClinVar:

ClinVar aggregate classification (germline): Likely benign. Review status: criteria provided, multiple submitters, no conflicts (2 of 4 stars). 6 submissions from 6 submitters: Likely benign (6). Last evaluated 2026-08-28.

Conditions:
MSH3-related disorder. Also called: MSH3-related condition.
Endometrial carcinoma. Also called: Endometrial carcinoma, somatic. Identifiers: MedGen C0476089, MONDO:0002447, OMIM 608089, HP:0012114.
Hereditary cancer-predisposing syndrome. Also called: Hereditary neoplastic syndrome; Neoplastic Syndromes, Hereditary; Hereditary Cancer Syndrome; Tumor predisposition. Identifiers: Orphanet 140162, MedGen C0027672, MeSH D009386, MONDO:0015356.

Allele frequency attached by ClinVar (database versions not stated): gnomAD 0.00001; gnomAD exomes 0.00001 and 0.00004; ExAC 0.00002; TOPMed 0.00002.
gnomAD v4.1: 17 of 1,613,960 alleles (0.0011%); highest among the groups gnomAD compares: Admixed American, 0.018%; no homozygotes.

Submissions (6):

PreventionGenetics, part of Exact Sciences
Classification: Likely benign for MSH3-related condition. Last evaluated: 2026-08-28. Review status: criteria provided, single submitter. Criteria: ACMG Guidelines, 2015. Collection method: clinical testing. Allele origin: germline.
Comment: This variant is classified as likely benign based on ACMG/AMP sequence variant interpretation guidelines (Richards et al. 2015 PMID: 25741868, with internal and published modifications).

Labcorp Genetics (formerly Invitae), Labcorp
Classification: Likely benign. Last evaluated: 2025-11-19. Review status: criteria provided, single submitter. Criteria: Invitae Variant Classification Sherloc (09022015). Collection method: clinical testing. Allele origin: germline.

Center for Genomic Medicine, Rigshospitalet, Copenhagen University Hospital
Classification: Likely benign. Last evaluated: 2025-03-04. Review status: criteria provided, single submitter. Criteria: ACMG Guidelines, 2015. Collection method: clinical testing. Allele origin: germline.

Department of Pathology and Laboratory Medicine, Sinai Health System
Classification: Likely benign for Endometrial carcinoma. Last evaluated: 2023-10-03. Review status: criteria provided, single submitter. Criteria: ACMG Guidelines, 2015. Collection method: clinical testing. Allele origin: germline. Affected: yes.

Quest Diagnostics Nichols Institute San Juan Capistrano
Classification: Likely benign. Last evaluated: 2022-10-24. Review status: criteria provided, single submitter. Criteria: Quest Diagnostics criteria. Collection method: clinical testing. Allele origin: unknown.

Ambry Genetics
Classification: Likely benign for Hereditary cancer-predisposing syndrome. Last evaluated: 2020-09-16. Review status: criteria provided, single submitter. Criteria: Ambry Variant Classification Scheme 2023. Collection method: clinical testing. Allele origin: germline.

NM_002439.5(MSH3):c.690G>A (p.Thr230=)

Gene: MSH3 (mutS homolog 3; plus strand). Cytogenetic location: 5q14.1.
Variant type: single nucleotide variant.
Coding change: c.690G>A on transcript NM_002439.5 (MANE Select); coding-DNA position 690, G replaced by A.
Protein change: p.Thr230=; no amino-acid change (threonine 230 retained).
Molecular consequence: synonymous variant.
Genome position (GRCh38, 1-based): chr5:80,670,207, G>A. VCF-style: chr5-80670207-G-A. GRCh37 (hg19) VCF-style: chr5-79966026-G-A.
Identifiers: ClinVar variation 746405 (VCV000746405.17), dbSNP rs751177946, ClinGen allele CA3327677.
Genomic context (GRCh38, chr5:80,670,207, plus strand): 5'-TGAAAATTTACAGAAAACTGCTTCCAAATCAGCTAACAAACGGTCCAAAAGCATCTATAC[G>A]CCGCTAGAATTACAATACATAGAAATGAAGCAGCAGCACAAAGATGCAGTTTTGTGTGTG-3'
Protein context (NP_002430.3, residues 220-240): SANKRSKSIY[Thr230=]PLELQYIEMK